The following is an entry in ClinVar:

NM_000138.5(FBN1):c.2713G>A (p.Gly905Arg)

Gene: FBN1 (fibrillin 1; minus strand). Cytogenetic location: 15q21.1.
Variant type: single nucleotide variant.
Coding change: c.2713G>A on transcript NM_000138.5 (MANE Select); coding-DNA position 2713, G replaced by A.
Protein change: p.Gly905Arg; replaces glycine 905 with arginine.
Molecular consequence: missense variant.
Genome position (GRCh38, 1-based): chr15:48,494,219, C>T on the plus strand (G>A on the coding strand, the complement: FBN1 is on the minus strand). VCF-style: chr15-48494219-C-T. GRCh37 (hg19) VCF-style: chr15-48786416-C-T.
Other names: short protein forms G905R.
Identifiers: ClinVar variation 426218 (VCV000426218.13), dbSNP rs756111066, ClinGen allele CA048525.

ClinVar aggregate classification (germline): Uncertain significance. Review status: criteria provided, multiple submitters, no conflicts (2 of 4 stars). 6 submissions from 6 submitters: Uncertain significance (6). Last evaluated 2025-10-28.

Conditions:
Weill-Marchesani syndrome 2, dominant. Also called: FBN1-Related Weill-Marchesani Syndrome; Weill-Marchesani Syndrome, Autosomal Dominant. Identifiers: Orphanet 2084, MedGen C1869115, MONDO:0012013, OMIM 608328.
Ectopia lentis 1, isolated, autosomal dominant (ECTOL1). Identifiers: Orphanet 1885, MedGen C3541518, MONDO:0007514, OMIM 129600.
Marfan syndrome (MFS). Also called: MARFAN SYNDROME, TYPE I; FBN1-Related Marfan Syndrome; Marfan syndrome type 1; Marfan's syndrome; Marfan syndrome, classic. Identifiers: Orphanet 284963, Orphanet 558, MedGen C0024796, MONDO:0007947, OMIM 154700.
Stiff skin syndrome (SSKS). Identifiers: Orphanet 2833, MedGen C1861456, MONDO:0008492, OMIM 184900.
Acromicric dysplasia (ACMICD). Also called: Acromicric skeletal dysplasia. Identifiers: Orphanet 969, MedGen C0265287, MONDO:0007055, OMIM 102370.
Progeroid and marfanoid aspect-lipodystrophy syndrome. Also called: MARFANOID-PROGEROID SYNDROME; MARFAN-PROGEROID-LIPODYSTROPHY SYNDROME; Marfan lipodystrophy syndrome; MARFANOID-PROGEROID-LIPODYSTROPHY SYNDROME. Identifiers: Orphanet 300382, MedGen C4310796, MONDO:0014831, OMIM 616914.
MASS syndrome (OCTD). Also called: MASS PHENOTYPE; OVERLAP CONNECTIVE TISSUE DISEASE. Identifiers: MedGen C1858556, MONDO:0011431, OMIM 604308.
Geleophysic dysplasia 2 (GPHYSD2). Identifiers: Orphanet 2623, MedGen C3280054, MONDO:0013612, OMIM 614185.
Familial thoracic aortic aneurysm and aortic dissection (TAAD). Also called: Thoracic aortic aneurysms and dissections. Identifiers: Orphanet 91387, MedGen C4707243, MONDO:0019625.

Allele frequency attached by ClinVar (database versions not stated): gnomAD exomes below 0.00001; ExAC 0.00001; gnomAD 0.00001.
gnomAD v4.1: 6 of 1,612,452 alleles (0.00037%); highest among the groups gnomAD compares: Non-Finnish European, 0.00051%; no homozygotes.

Submissions (6):

Clinical Genetics Laboratory, Skane University Hospital Lund
Classification: Uncertain significance for Familial thoracic aortic aneurysm and aortic dissection. Last evaluated: 2025-10-28. Review status: criteria provided, single submitter. Criteria: ACMG Guidelines, 2015. Collection method: clinical testing. Allele origin: germline. Affected: yes.

Labcorp Genetics (formerly Invitae), Labcorp
Classification: Uncertain significance for Marfan syndrome; Familial thoracic aortic aneurysm and aortic dissection. Last evaluated: 2025-10-13. Review status: criteria provided, single submitter. Criteria: Invitae Variant Classification Sherloc (09022015). Collection method: clinical testing. Allele origin: germline.
Comment: This sequence change replaces glycine, which is neutral and non-polar, with arginine, which is basic and polar, at codon 905 of the FBN1 protein (p.Gly905Arg). This variant is present in population databases (rs756111066, gnomAD 0.0009%). This missense change has been observed in individual(s) with thoracic aortic aneurysms and aortic dissections (internal data). ClinVar contains an entry for this variant (Variation ID: 426218). Invitae Evidence Modeling of protein sequence and biophysical properties (such as structural, functional, and spatial information, amino acid conservation, physicochemical variation, residue mobility, and thermodynamic stability) indicates that this missense variant is expected to disrupt FBN1 protein function with a positive predictive value of 95%. In summary, the available evidence is currently insufficient to determine the role of this variant in disease. Therefore, it has been classified as a Variant of Uncertain Significance.

Ambry Genetics
Classification: Uncertain significance for Familial thoracic aortic aneurysm and aortic dissection. Last evaluated: 2024-05-17. Review status: criteria provided, single submitter. Criteria: Ambry Variant Classification Scheme 2023. Collection method: clinical testing. Allele origin: germline.
Comment: The p.G905R variant (also known as c.2713G>A), located in coding exon 22 of the FBN1 gene, results from a G to A substitution at nucleotide position 2713. The glycine at codon 905 is replaced by arginine, an amino acid with dissimilar properties. This amino acid position is highly conserved in available vertebrate species. In addition, this alteration is predicted to be deleterious by in silico analysis. Based on the available evidence, the clinical significance of this variant remains unclear.

Department of Pathology and Laboratory Medicine, Sinai Health System
Classification: Uncertain significance for MASS syndrome; Geleophysic dysplasia 2; Ectopia lentis 1, isolated, autosomal dominant; Progeroid and marfanoid aspect-lipodystrophy syndrome; Marfan syndrome; Weill-Marchesani syndrome 2, dominant; Acromicric dysplasia; Stiff skin syndrome. Last evaluated: 2022-09-19. Review status: criteria provided, single submitter. Criteria: ACMG Guidelines, 2015. Collection method: research. Allele origin: germline.

Laboratory of Medical Genetics, National & Kapodistrian University of Athens
Classification: Uncertain significance for Marfan syndrome. Last evaluated: 2021-10-06. Review status: criteria provided, single submitter. Criteria: ACMG Guidelines, 2015. Collection method: clinical testing. Allele origin: unknown.
Comment: PM1, PM2, PP3

GeneDx
Classification: Uncertain significance. Last evaluated: 2017-11-03. Review status: criteria provided, single submitter. Criteria: GeneDx Variant Classification (06012015). Collection method: clinical testing. Allele origin: germline. Affected: yes.
Comment: A variant of uncertain significance has been identified in the FBN1 gene. The G905R variant has not been published as pathogenic or been reported as benign to our knowledge. This variant is not observed at a significant frequency in large population cohorts (Lek et al., 2016; 1000 Genomes Consortium et al., 2015; Exome Variant Server). The G905R variant is a non-conservative amino acid substitution, which is likely to impact secondary protein structure as these residues differ in polarity, charge, size and/or other properties. Additionally, this substitution occurs at a position that is conserved across species. Furthermore, in silico analysis predicts this variant is probably damaging to the protein structure/function. Nevertheless, the G905R does not affect a cysteine residue within a calcium-binding EGF-like domain of the FBN1 gene. Cysteine substitutions in the calcium-binding EGF-like domains represent the majority of pathogenic missense changes associated with FBN1-related disorders (Collod-Beroud et al., 2003).